The following is an entry in ClinVar:

ClinVar aggregate classification (germline): Uncertain significance. Review status: criteria provided, multiple submitters, no conflicts (2 of 4 stars). 4 submissions from 4 submitters: Uncertain significance (4). Last evaluated 2025-10-20.

Conditions:
Tumor predisposition syndrome 3 (TPDS3). Also called: Melanoma, cutaneous malignant, susceptibility to, 10; Glioma susceptibility 9; LONG TELOMERE SYNDROME, POT1-RELATED; POT1 Tumor Predisposition. Identifiers: Orphanet 618, MedGen C4014476, MONDO:0014368, OMIM 615848.
Hereditary cancer-predisposing syndrome. Also called: Tumor predisposition; Hereditary Cancer Syndrome; Hereditary neoplastic syndrome; Neoplastic Syndromes, Hereditary. Identifiers: Orphanet 140162, MedGen C0027672, MeSH D009386, MONDO:0015356.

Allele frequency attached by ClinVar (database versions not stated): gnomAD exomes below 0.00001; TOPMed below 0.00001.
gnomAD v4.1: 1 of 1,607,610 alleles (0.000062%); highest among the groups gnomAD compares: Non-Finnish European, 0.000085%; no homozygotes.

Submissions (4):

Ambry Genetics
Classification: Uncertain significance for Hereditary cancer-predisposing syndrome. Last evaluated: 2025-10-20. Review status: criteria provided, single submitter. Criteria: Ambry Variant Classification Scheme 2023. Collection method: clinical testing. Allele origin: germline.
Comment: The c.150G>A variant (also known as p.V50V), located in coding exon 3 of the POT1 gene, results from a G to A substitution at nucleotide position 150. This nucleotide substitution does not change the amino acid at codon 50. This nucleotide position is well conserved in available vertebrate species. In silico splice site analysis predicts that this alteration may weaken the native splice acceptor site; however, direct evidence is insufficient at this time (Ambry internal data). Based on the available evidence, the clinical significance of this variant remains unclear.

Labcorp Genetics (formerly Invitae), Labcorp
Classification: Uncertain significance for Tumor predisposition syndrome 3. Last evaluated: 2024-08-03. Review status: criteria provided, single submitter. Criteria: Invitae Variant Classification Sherloc (09022015). Collection method: clinical testing. Allele origin: germline.
Comment: This sequence change affects codon 50 of the POT1 mRNA. It is a 'silent' change, meaning that it does not change the encoded amino acid sequence of the POT1 protein. This variant is not present in population databases (gnomAD no frequency). This variant has not been reported in the literature in individuals affected with POT1-related conditions. ClinVar contains an entry for this variant (Variation ID: 1308859). Algorithms developed to predict the effect of sequence changes on RNA splicing suggest that this variant may disrupt the consensus splice site. In summary, the available evidence is currently insufficient to determine the role of this variant in disease. Therefore, it has been classified as a Variant of Uncertain Significance.

Molecular Pathology, Peter Maccallum Cancer Centre
Classification: Uncertain significance for Tumor predisposition syndrome 3. Last evaluated: 2024-03-12. Review status: criteria provided, single submitter. Criteria: ACMG Guidelines, 2015. Collection method: clinical testing. Allele origin: germline. Inheritance: Autosomal dominant inheritance.

GeneDx
Classification: Uncertain significance. Last evaluated: 2019-09-25. Review status: criteria provided, single submitter. Criteria: GeneDx Variant Classification Process June 2021. Collection method: clinical testing. Allele origin: germline. Affected: yes.
Comment: Not observed in large population cohorts (Lek 2016); In silico analysis, which includes splice predictors and evolutionary conservation, supports that this variant does not alter protein structure/function; Has not been previously published as pathogenic or benign to our knowledge

NM_015450.3(POT1):c.150G>A (p.Val50=)

Gene: POT1 (protection of telomeres 1; minus strand). Cytogenetic location: 7q31.33.
Variant type: single nucleotide variant.
Coding change: c.150G>A on transcript NM_015450.3 (MANE Select); coding-DNA position 150, G replaced by A.
Protein change: p.Val50=; no amino-acid change (valine 50 retained).
Molecular consequence: synonymous variant. On other transcripts: non-coding transcript variant (3), intron variant (1).
Genome position (GRCh38, 1-based): chr7:124,871,016, C>T on the plus strand (G>A on the coding strand, the complement: POT1 is on the minus strand). VCF-style: chr7-124871016-C-T. GRCh37 (hg19) VCF-style: chr7-124511070-C-T.
Other names: c.-138-7376G>A (NM_001042594.2).
Identifiers: ClinVar variation 1308859 (VCV001308859.12), dbSNP rs1795855228, ClinGen allele CA457469751.